The following is an entry in ClinVar:

NM_004006.3(DMD):c.9739C>T (p.Gln3247Ter)

Gene: DMD (dystrophin; minus strand). Cytogenetic location: Xp21.2.
Variant type: single nucleotide variant.
Coding change: c.9739C>T on transcript NM_004006.3 (MANE Select); coding-DNA position 9739, C replaced by T.
Protein change: p.Gln3247Ter; replaces glutamine 3247 with a stop codon.
Molecular consequence: nonsense.
Genome position (GRCh38, 1-based): chrX:31,204,029, G>A on the plus strand (C>T on the coding strand, the complement: DMD is on the minus strand). VCF-style: chrX-31204029-G-A. GRCh37 (hg19) VCF-style: chrX-31222146-G-A.
Other names: c.9715C>T, p.Gln3239Ter (NM_000109.4); c.9727C>T, p.Gln3243Ter (NM_004009.3); c.9370C>T, p.Gln3124Ter (NM_004010.3); c.5716C>T, p.Gln1906Ter (NM_004011.4); c.5707C>T, p.Gln1903Ter (NM_004012.4); c.2359C>T, p.Gln787Ter (NM_004013.3, NM_004020.4, NM_004021.3 and 2 more transcripts); c.1552C>T, p.Gln518Ter (NM_004014.3); c.535C>T, p.Gln179Ter (NM_004015.3, NM_004016.3, NM_004017.3 and 2 more transcripts); short protein forms Q179*, Q1903*, Q1906*, Q3124*, Q3239*, Q3243*, Q3247*, Q518*.
Identifiers: ClinVar variation 1322742 (VCV001322742.7), dbSNP rs2148541048, ClinGen allele CA412648538.

ClinVar aggregate classification (germline): Pathogenic. Review status: criteria provided, multiple submitters, no conflicts (2 of 4 stars). 2 submissions from 2 submitters: Pathogenic (2). Last evaluated 2024-04-17.

Conditions:
Duchenne muscular dystrophy (DMD). Also called: MUSCULAR DYSTROPHY, PSEUDOHYPERTROPHIC PROGRESSIVE, DUCHENNE TYPE; Duchenne Muscular Dystrophy (DMD). Identifiers: Orphanet 98896, MedGen C0013264, MONDO:0010679, OMIM 310200.

Submissions (2):

Revvity Omics, Revvity
Classification: Pathogenic. Last evaluated: 2024-04-17. Review status: criteria provided, single submitter. Criteria: ACMG Guidelines, 2015. Collection method: clinical testing. Allele origin: germline.

Labcorp Genetics (formerly Invitae), Labcorp
Classification: Pathogenic for Duchenne muscular dystrophy. Last evaluated: 2023-04-24. Review status: criteria provided, single submitter. Criteria: Invitae Variant Classification Sherloc (09022015). Collection method: clinical testing. Allele origin: germline.
Comment: For these reasons, this variant has been classified as Pathogenic. ClinVar contains an entry for this variant (Variation ID: 1322742). This premature translational stop signal has been observed in individual(s) with Duchenne muscular dystrophy (PMID: 14695533, 18583217). This variant is not present in population databases (gnomAD no frequency). This sequence change creates a premature translational stop signal (p.Gln3247*) in the DMD gene. It is expected to result in an absent or disrupted protein product. Loss-of-function variants in DMD are known to be pathogenic (PMID: 16770791, 25007885).

Literature cited by the submitters: PubMed 14695533 (cited by Labcorp Genetics (formerly Invitae), Labcorp); PubMed 18583217 (cited by Labcorp Genetics (formerly Invitae), Labcorp); PubMed 16770791 (cited by Labcorp Genetics (formerly Invitae), Labcorp); PubMed 25007885 (cited by Labcorp Genetics (formerly Invitae), Labcorp).